The following is an entry in ClinVar:

ClinVar aggregate classification (germline): Pathogenic/Likely pathogenic. Review status: criteria provided, multiple submitters, no conflicts (2 of 4 stars). 2 submissions from 2 submitters: Pathogenic (1); Likely pathogenic (1). Last evaluated 2026-09-21.

Conditions:
Autosomal recessive nonsyndromic hearing loss 37. Identifiers: Orphanet 90636, MedGen C1843028, MONDO:0011912, OMIM 607821.
Autosomal dominant nonsyndromic hearing loss 22. Also called: Autosomal dominant nonsyndromic deafness 22; DFNA 22. Identifiers: Orphanet 228012, MedGen C2931767, MONDO:0011660, OMIM 606346.
Monogenic hearing loss.

gnomAD v4.1: 1 of 1,613,832 alleles (0.000062%); highest among the groups gnomAD compares: Non-Finnish European, 0.000085%; no homozygotes.

Submissions (2):

Genetics Laboratory, Great Ormond Street Hospital NHS Foundation Trust, North Thames Genomic Laboratory Hub
Classification: Pathogenic for Monogenic hearing loss. Last evaluated: 2026-09-21. Review status: criteria provided, single submitter. Criteria: ACGS Best Practice Guidelines for Variant Classification in Rare Disease 2024 v1.2. Collection method: clinical testing. Allele origin: germline. Affected: yes.
Comment: PS4_moderate, PM2_moderate, PVS1_very-strong

Juno Genomics, Hangzhou Juno Genomics, Inc
Classification: Likely pathogenic for Autosomal dominant nonsyndromic hearing loss 22; Autosomal recessive nonsyndromic hearing loss 37. Review status: criteria provided, single submitter. Criteria: ACMG Guidelines, 2015. Collection method: clinical testing. Allele origin: germline.
Comment: Absent from controls (or at extremely low frequency if recessive) in Genome Aggregation Database.;Null variant in a gene where loss of function (LOF) is a known mechanism of disease.

NM_004999.4(MYO6):c.2971C>T (p.Arg991Ter)

Gene: MYO6 (myosin VI; plus strand). Cytogenetic location: 6q14.1.
Variant type: single nucleotide variant.
Coding change: c.2971C>T on transcript NM_004999.4 (MANE Select); coding-DNA position 2971, C replaced by T.
Protein change: p.Arg991Ter; replaces arginine 991 with a stop codon.
Molecular consequence: nonsense. On other transcripts: non-coding transcript variant (1).
Genome position (GRCh38, 1-based): chr6:75,892,554, C>T. VCF-style: chr6-75892554-C-T. GRCh37 (hg19) VCF-style: chr6-76602271-C-T.
Other names: c.2971C>T, p.Arg991Ter (NM_001300899.2, NM_001368136.1, NM_001368137.1 and 2 more transcripts); c.2956C>T, p.Arg986Ter (NM_001368138.1); short protein forms R986*, R991*.
Identifiers: ClinVar variation 5018899 (VCV005018899.3).